The following is an entry in ClinVar:

NM_020366.4(RPGRIP1):c.680T>C (p.Met227Thr)

Gene: RPGRIP1 (RPGR interacting protein 1; plus strand). Cytogenetic location: 14q11.2.
Variant type: single nucleotide variant.
Coding change: c.680T>C on transcript NM_020366.4 (MANE Select); coding-DNA position 680, T replaced by C.
Protein change: p.Met227Thr; replaces methionine 227 with threonine.
Molecular consequence: missense variant.
Genome position (GRCh38, 1-based): chr14:21,303,423, T>C. VCF-style: chr14-21303423-T-C. GRCh37 (hg19) VCF-style: chr14-21771582-T-C.
Other names: short protein forms M227T.
Identifiers: ClinVar variation 1400574 (VCV001400574.8), dbSNP rs371994477, ClinGen allele CA7088728.

ClinVar aggregate classification (germline): Uncertain significance (1 of 4 stars; one submission).

Conditions:
Leber congenital amaurosis 6 (LCA6). Identifiers: Orphanet 65, MedGen C1854260, MONDO:0013446, OMIM 613826.
Cone-rod dystrophy 13 (CORD13). Identifiers: Orphanet 1872, MedGen C2750720, MONDO:0011987, OMIM 608194.

Allele frequency attached by ClinVar (database versions not stated): gnomAD exomes below 0.00001; ExAC 0.00001; gnomAD 0.00001; ESP Exome Variant Server 0.00008.
gnomAD v4.1: 1 of 1,613,766 alleles (0.000062%); highest among the groups gnomAD compares: East Asian, 0.0022%; no homozygotes.

Submission:

Labcorp Genetics (formerly Invitae), Labcorp
Classification: Uncertain significance for Leber congenital amaurosis 6; Cone-rod dystrophy 13. Last evaluated: 2025-06-23. Review status: criteria provided, single submitter. Criteria: Invitae Variant Classification Sherloc (09022015). Collection method: clinical testing. Allele origin: germline.
Comment: This sequence change replaces methionine, which is neutral and non-polar, with threonine, which is neutral and polar, at codon 227 of the RPGRIP1 protein (p.Met227Thr). This variant is present in population databases (rs371994477, gnomAD 0.01%). This variant has not been reported in the literature in individuals affected with RPGRIP1-related conditions. ClinVar contains an entry for this variant (Variation ID: 1400574). Invitae Evidence Modeling of protein sequence and biophysical properties (such as structural, functional, and spatial information, amino acid conservation, physicochemical variation, residue mobility, and thermodynamic stability) indicates that this missense variant is not expected to disrupt RPGRIP1 protein function with a negative predictive value of 80%. In summary, the available evidence is currently insufficient to determine the role of this variant in disease. Therefore, it has been classified as a Variant of Uncertain Significance.